The following is an entry in ClinVar:

NM_005502.4(ABCA1):c.2471C>T (p.Ser824Leu)

Gene: ABCA1 (ATP binding cassette subfamily A member 1; minus strand). Cytogenetic location: 9q31.1.
Variant type: single nucleotide variant.
Coding change: c.2471C>T on transcript NM_005502.4 (MANE Select); coding-DNA position 2471, C replaced by T.
Protein change: p.Ser824Leu; replaces serine 824 with leucine.
Molecular consequence: missense variant.
Genome position (GRCh38, 1-based): chr9:104,825,754, G>A on the plus strand (C>T on the coding strand, the complement: ABCA1 is on the minus strand). VCF-style: chr9-104825754-G-A. GRCh37 (hg19) VCF-style: chr9-107588035-G-A.
Other names: short protein forms S824L.
Identifiers: ClinVar variation 2136802 (VCV002136802.5), dbSNP rs551884479, ClinGen allele CA5168726.

ClinVar aggregate classification (germline): Conflicting classifications of pathogenicity. Review status: criteria provided, conflicting classifications (1 of 4 stars). 2 submissions from 2 submitters: Uncertain significance (1); Likely benign (1). Last evaluated 2025-09-04.

Allele frequency attached by ClinVar (database versions not stated): gnomAD 0.00001; ExAC 0.00002; gnomAD exomes 0.00003; TOPMed 0.00004; 1000 Genomes Project 30x 0.00016; 1000 Genomes Project 0.00020.
gnomAD v4.1: 46 of 1,614,178 alleles (0.0028%); highest among the groups gnomAD compares: Admixed American, 0.012%; no homozygotes.

Submissions (2):

Women's Health and Genetics/Laboratory Corporation of America, LabCorp
Classification: Uncertain significance. Last evaluated: 2025-09-04. Review status: criteria provided, single submitter. Criteria: LabCorp Variant Classification Summary - May 2015. Collection method: clinical testing. Allele origin: germline.
Comment: Variant summary: ABCA1 c.2471C>T (p.Ser824Leu) results in a non-conservative amino acid change in the encoded protein sequence. Algorithms developed to predict the effect of missense changes on protein structure and function all suggest that this variant is likely to be disruptive. The variant allele was found at a frequency of 2.8e-05 in 251466 control chromosomes (gnomAD). The available data on variant occurrences in the general population are insufficient to allow any conclusion about variant significance. c.2471C>T has been observed in individuals affected with hypertriglyceridemia (Bochem_2013, Mendes_2024). These reports do not provide unequivocal conclusions about association of the variant with Tangier Disease. To our knowledge, no experimental evidence demonstrating an impact on protein function has been reported. The following publications have been ascertained in the context of this evaluation (PMID: 23136402, 38933898). ClinVar contains an entry for this variant (Variation ID: 2136802). Based on the evidence outlined above, the variant was classified as uncertain significance.

Labcorp Genetics (formerly Invitae), Labcorp
Classification: Likely benign. Last evaluated: 2025-08-31. Review status: criteria provided, single submitter. Criteria: Invitae Variant Classification Sherloc (09022015). Collection method: clinical testing. Allele origin: germline.

Literature cited by the submitters: PubMed 38933898 (cited by Women's Health and Genetics/Laboratory Corporation of America, LabCorp); PubMed 23136402 (cited by Women's Health and Genetics/Laboratory Corporation of America, LabCorp).